The following is an entry in ClinVar:

NM_001378974.1(FBXW11):c.522del (p.Glu174fs)

Gene: FBXW11 (F-box and WD repeat domain containing 11; minus strand). Cytogenetic location: 5q35.1.
Variant type: Deletion.
Coding change: c.522del on transcript NM_001378974.1 (MANE Select); coding-DNA position 522, one base deleted (A; older notation c.522delA).
Protein change: p.Glu174fs; shifts the reading frame from glutamic acid 174.
Molecular consequence: frameshift variant.
Genome position (GRCh38, 1-based): chr5:171,900,015, T deleted on the plus strand (A on the coding strand, the reverse complement: FBXW11 is on the minus strand); the first of 2 consecutive T bases (chr5:171,900,015-171,900,016); deleting either gives the same sequence. VCF-style (leftmost placement, unchanged base first): chr5-171900014-AT-A. GRCh37 (hg19) VCF-style: chr5-171327018-AT-A.
Other names: c.453del, p.Glu151fs (NM_001378975.1); c.426del, p.Glu142fs (NM_001378976.1); c.363del, p.Glu121fs (NM_001378977.1, NM_001378978.1, NM_001378979.1); c.357del, p.Glu119fs (NM_001378980.1, NM_033645.3); c.459del, p.Glu153fs (NM_012300.3); c.420del, p.Glu140fs (NM_033644.3); c.459delA (NM_012300.3); short protein forms E119fs, E121fs, E140fs, E142fs, E151fs, E153fs, E174fs.
Identifiers: ClinVar variation 4848741 (VCV004848741.1).

ClinVar aggregate classification (germline): Uncertain significance (1 of 4 stars; one submission).

Submission:

Women's Health and Genetics/Laboratory Corporation of America, LabCorp
Classification: Uncertain significance. Last evaluated: 2026-04-28. Review status: criteria provided, single submitter. Criteria: LabCorp Variant Classification Summary - May 2015. Collection method: clinical testing. Allele origin: germline.
Comment: Variant summary: FBXW11 c.459delA (p.Glu153AspfsX5) results in a premature termination codon, predicted to cause a truncation of the encoded protein or absence of the protein due to nonsense mediated decay, however current evidence is not sufficient to establish loss of function as a mechanism for disease. The variant was absent in 250918 control chromosomes. The available data on variant occurrences in the general population are insufficient to allow any conclusion about variant significance. To our knowledge, no occurrence of c.459delA in individuals affected with FBXW11-related conditions and no experimental evidence demonstrating its impact on protein function have been reported. No submitters have cited clinical-significance assessments for this variant to ClinVar. Based on the evidence outlined above, the variant was classified as uncertain significance.